The following is an entry in ClinVar:

ClinVar aggregate classification (germline): Likely pathogenic (1 of 4 stars; one submission).

Submission:

GeneDx
Classification: Likely pathogenic. Last evaluated: 2025-08-18. Review status: criteria provided, single submitter. Criteria: GeneDx Variant Classification Process June 2021. Collection method: clinical testing. Allele origin: germline.
Comment: In-frame deletion of 1 amino acid and insertion of 3 different amino acids in a non-repeat region; Not observed at significant frequency in large population cohorts (gnomAD); In silico analysis indicates that this variant does not alter protein structure/function; Has not been previously published as pathogenic or benign to our knowledge

NM_006946.4(SPTBN2):c.1540_1541delinsCTCTGGGT (p.Asp514delinsLeuTrpVal)

Gene: SPTBN2 (spectrin beta, non-erythrocytic 2; minus strand). Cytogenetic location: 11q13.2.
Variant type: Indel.
Coding change: c.1540_1541delinsCTCTGGGT on transcript NM_006946.4 (MANE Select); coding-DNA positions 1540 to 1541, GA replaced by CTCTGGGT.
Protein change: p.Asp514delinsLeuTrpVal.
Molecular consequence: inframe indel.
Genome position (GRCh38, 1-based): chr11:66,707,628-66,707,629, TC replaced by ACCCAGAG on the plus strand (GA replaced by CTCTGGGT on the coding strand, the reverse complement: SPTBN2 is on the minus strand). VCF-style: chr11-66707628-TC-ACCCAGAG. GRCh37 (hg19) VCF-style: chr11-66475099-TC-ACCCAGAG.
Other names: c.1561_1562delinsCTCTGGGT, p.Asp521delinsLeuTrpVal (NM_001411025.1).
Identifiers: ClinVar variation 3777511 (VCV003777511.2).
Genomic context (GRCh38, chr11:66,707,628, plus strand): 5'-TGCAGCTCCAGGTTGAGGAGGAGCCGCTCCCGCCGGGCGGCCACCATCTGCCGCAAGAAG[TC>ACCCAGAG]CCAGAGCCGTGCCACGTTGTGCTGCCGAGCGGCGATGCGCTTGATGTCGTGGTAGCGCTC-3'